The following is an entry in ClinVar:

ClinVar aggregate classification (germline): Likely benign. Review status: criteria provided, multiple submitters, no conflicts (2 of 4 stars). 3 submissions from 3 submitters: Likely benign (3). Last evaluated 2026-02-01.

Allele frequency attached by ClinVar (database versions not stated): ExAC 0.00302; 1000 Genomes Project 0.00359; 1000 Genomes Project 30x 0.00359; ESP Exome Variant Server 0.00146; gnomAD 0.00173 and 0.00190; TOPMed 0.00189; gnomAD exomes 0.00201 and 0.00285.
gnomAD v4.1: 3,265 of 1,614,188 alleles (0.2%); highest among the groups gnomAD compares: Middle Eastern, 2.6%; 24 homozygotes.

Submissions (3):

CeGaT Center for Human Genetics Tuebingen
Classification: Likely benign. Last evaluated: 2026-02-01. Review status: criteria provided, single submitter. Criteria: CeGaT Center For Human Genetics Tuebingen Variant Classification Criteria Version 2. Collection method: clinical testing. Allele origin: germline. Affected: yes. Observed: 1 variant allele.
Comment: SLC3A2: BS2

Labcorp Genetics (formerly Invitae), Labcorp
Classification: Likely benign. Last evaluated: 2019-12-31. Review status: criteria provided, single submitter. Criteria: Invitae Variant Classification Sherloc (09022015). Collection method: clinical testing. Allele origin: germline.

Breakthrough Genomics
Classification: Likely benign. Review status: criteria provided, single submitter. Criteria: ACMG Guidelines, 2015. Collection method: not provided. Allele origin: germline. Inheritance: Unknown mechanism. Affected: yes.

NM_001013251.3(SLC3A2):c.1013G>T (p.Arg338Met)

Gene: SLC3A2 (solute carrier family 3 member 2; plus strand). Cytogenetic location: 11q12.3.
Variant type: single nucleotide variant.
Coding change: c.1013G>T on transcript NM_001013251.3 (MANE Select); coding-DNA position 1013, G replaced by T.
Protein change: p.Arg338Met; replaces arginine 338 with methionine.
Molecular consequence: missense variant. On other transcripts: non-coding transcript variant (1).
Genome position (GRCh38, 1-based): chr11:62,885,478, G>T. VCF-style: chr11-62885478-G-T. GRCh37 (hg19) VCF-style: chr11-62652950-G-T.
Other names: c.1319G>T, p.Arg440Met (NM_001012662.3); c.1130G>T, p.Arg377Met (NM_001012664.3); c.1316G>T, p.Arg439Met (NM_002394.6); short protein forms R338M, R377M, R439M, R440M.
Identifiers: ClinVar variation 722723 (VCV000722723.9), dbSNP rs116829615, ClinGen allele CA6058710.
Genomic context (GRCh38, chr11:62,885,478, plus strand): 5'-GAGGCAGAGGTGGGTTATGGGGCTCACTGGAGTGTCTCTCCCTGTAGTTGTCTCAGGCAA[G>T]GCTCCTGACTTCCTTCTTGCCGGCTCAACTTCTCCGACTCTACCAGCTGATGCTCTTCAC-3'
Protein context (NP_001013269.1, residues 328-348): RWCSWSLSQA[Arg338Met]LLTSFLPAQL